The following is an entry in ClinVar:

NM_024911.7(WLS):c.1175A>G (p.Tyr392Cys)

Genes: GNG12-AS1 (GNG12, DIRAS3 and WLS antisense RNA 1; plus strand), WLS (Wnt ligand secretion mediator; minus strand). Cytogenetic location: 1p31.3.
Variant type: single nucleotide variant.
Coding change: c.1175A>G on transcript NM_024911.7 (MANE Select); coding-DNA position 1175, A replaced by G.
Protein change: p.Tyr392Cys; replaces tyrosine 392 with cysteine.
Molecular consequence: missense variant.
Genome position (GRCh38, 1-based): chr1:68,145,972, T>C on the plus strand (A>G on the coding strand, the complement: WLS is on the minus strand). VCF-style: chr1-68145972-T-C. GRCh37 (hg19) VCF-style: chr1-68611655-T-C.
Other names: c.1169A>G, p.Tyr390Cys (NM_001002292.4); c.902A>G, p.Tyr301Cys (NM_001193334.1); short protein forms Y301C, Y390C, Y392C.
Identifiers: ClinVar variation 1098567 (VCV001098567.4), dbSNP rs2100452147, ClinGen allele CA340748773.
Genomic context (GRCh38, chr1:68,145,972, plus strand): 5'-GACTGCTTCCCACTGATGTTCCGAAACACCTGAAATACCATGAAGCATAGAAACAGGAAG[T>C]AGAGGCAGAGGCAGATTCCAGCCACGATGATGAAGGCCATCTGGTCGTGTCCAGTAAAGG-3'
Protein context (NP_079187.3, residues 382-402): IIVAGICLCL[Tyr392Cys]FLFLCFMVFQ

ClinVar aggregate classification (germline): Pathogenic. Review status: criteria provided, multiple submitters, no conflicts (2 of 4 stars). 3 submissions from 3 submitters: Pathogenic (2). 1 of the submissions does not count toward it. Last evaluated 2024-10-04.

Conditions:
WLS syndrome.
Zaki syndrome. Also called: MICROCEPHALY, PROGRESSIVE, WITH DEVELOPMENTAL DELAY, CUPPED EARS, AND DYSMORPHIC FEATURES. Identifiers: MedGen C5562037, MONDO:0859209, OMIM 619648.

Submissions (3):

Dubai Health Genomic Medicine Center, Dubai Health
Classification: Pathogenic for Zaki syndrome. Last evaluated: 2024-10-04. Review status: criteria provided, single submitter. Criteria: ACMG Guidelines, 2015. Collection method: research. Allele origin: germline. Affected: yes.
Comment: PS3,PP1,PM2,PP3

Gleeson Lab, University of California San Diego - Department of Neuroscience
Classification: Pathogenic for WLS syndrome. Last evaluated: 2021-04-21. Review status: criteria provided, single submitter. Criteria: ACMG Guidelines, 2015. Collection method: research. Allele origin: inherited. Affected: yes. Observed: 5 variant alleles, 5 homozygotes. Clinical features observed: Short stature (HP:0004322), Decreased head circumference (HP:0040195), Abnormal facial shape (HP:0001999), Sparse scalp hair (HP:0002209), Cupped ear (HP:0000378), Cutaneous syndactyly of toes (HP:0010621).

OMIM
Classification: Pathogenic for ZAKI SYNDROME. Last evaluated: 2026-03-31. Review status: no assertion criteria provided. Collection method: literature only. Allele origin: germline. Not counted in ClinVar's aggregate classification.

Literature cited by the submitters: PubMed 34587386 (cited by OMIM).